The following is an entry in ClinVar:

ClinVar aggregate classification (germline): Uncertain significance (1 of 4 stars; one submission).

Conditions:
Malignant hyperthermia, susceptibility to, 5 (MHS5). Also called: CACNA1S-Related Malignant Hyperthermia Susceptibility. Identifiers: Orphanet 423, MedGen C1866077, MONDO:0011163, OMIM 601887.

gnomAD v4.1: 2 of 1,613,836 alleles (0.00012%); no homozygotes.

Submission:

All of Us Research Program, National Institutes of Health
Classification: Uncertain significance for Malignant hyperthermia, susceptibility to, 5. Last evaluated: 2024-02-22. Review status: criteria provided, single submitter. Criteria: ACMG Guidelines, 2015. Collection method: clinical testing. Allele origin: germline. Inheritance: Autosomal dominant inheritance. Observed: 1 variant allele, 1 heterozygote.
Comment: This missense variant replaces proline with arginine at codon 1707 of the CACNA1S protein. Computational prediction suggests that this variant may not impact protein structure and function (internally defined REVEL score threshold <= 0.5, PMID: 27666373). To our knowledge, functional studies have not been reported for this variant. This variant has not been reported in individuals affected with CACNA1S-related disorders in the literature. This variant has not been identified in the general population by the Genome Aggregation Database (gnomAD). The available evidence is insufficient to determine the role of this variant in disease conclusively. Therefore, this variant is classified as a Variant of Uncertain Significance.

This study involves interpretation of variants in research participants for the purpose of population health screening. Participant phenotype was not available at the time of variant classification. Additional details can be found in publication PMID: 35346344, PMCID: PMC8962531

NM_000069.3(CACNA1S):c.5120C>G (p.Pro1707Arg)

Gene: CACNA1S (calcium voltage-gated channel subunit alpha1 S; minus strand). Cytogenetic location: 1q32.1.
Variant type: single nucleotide variant.
Coding change: c.5120C>G on transcript NM_000069.3 (MANE Select); coding-DNA position 5120, C replaced by G.
Protein change: p.Pro1707Arg; replaces proline 1707 with arginine.
Molecular consequence: missense variant.
Genome position (GRCh38, 1-based): chr1:201,041,518, G>C on the plus strand (C>G on the coding strand, the complement: CACNA1S is on the minus strand). VCF-style: chr1-201041518-G-C. GRCh37 (hg19) VCF-style: chr1-201010646-G-C.
Other names: short protein forms P1707R.
Identifiers: ClinVar variation 3386279 (VCV003386279.1).